The following is an entry in ClinVar:

NM_001366028.2(DNAH12):c.1399A>C (p.Thr467Pro)

Gene: DNAH12 (dynein axonemal heavy chain 12; minus strand). Cytogenetic location: 3p14.3.
Variant type: single nucleotide variant.
Coding change: c.1399A>C on transcript NM_001366028.2 (MANE Select); coding-DNA position 1399, A replaced by C.
Protein change: p.Thr467Pro; replaces threonine 467 with proline.
Molecular consequence: missense variant.
Genome position (GRCh38, 1-based): chr3:57,489,624, T>G on the plus strand (A>C on the coding strand, the complement: DNAH12 is on the minus strand). VCF-style: chr3-57489624-T-G. GRCh37 (hg19) VCF-style: chr3-57475351-T-G.
Other names: short protein forms T467P.
Identifiers: ClinVar variation 402642 (VCV000402642.5), dbSNP rs6806444, ClinGen allele CA2465251.
Genomic context (GRCh38, chr3:57,489,624, plus strand): 5'-AGGCTTTTGCTTTATTTGTCAGGCCTGTCTTCAAATCTTCACAATCCAAACGCACCATAG[T>G]GTAATGAATCCACTGAGGCAAAAGCATTATTTCTGAGGCAAGACTGAGAAATTTTTCTAT-3'
Protein context (NP_001352957.1, residues 457-477): IMLLPQWIHY[Thr467Pro]MVRLDCEDLK

ClinVar aggregate classification (germline): Benign. Review status: criteria provided, multiple submitters, no conflicts (2 of 4 stars). 2 submissions from 2 submitters: Benign (2). Last evaluated 2016-03-29.

Allele frequency attached by ClinVar (database versions not stated): 1000 Genomes Project 30x 0.63242; 1000 Genomes Project 0.63359; TOPMed 0.65778; gnomAD 0.66859 and 0.66912; ESP Exome Variant Server 0.66864.
gnomAD v4.1: 1,040,383 of 1,540,110 alleles (68%); highest among the groups gnomAD compares: South Asian, 76%; 353,121 homozygotes.

Submissions (2):

Laboratory for Molecular Medicine, Mass General Brigham Personalized Medicine
Classification: Benign. Last evaluated: 2016-03-29. Review status: criteria provided, single submitter. Criteria: LMM Criteria. Collection method: clinical testing. Allele origin: germline.
Comment: Variant identified in a genome or exome case(s) and assessed due to predicted null impact of the variant or pathogenic assertions in the literature or databases. Disclaimer: This variant has not undergone full assessment. The following are preliminary notes: Frequency

Breakthrough Genomics
Classification: Benign. Review status: criteria provided, single submitter. Criteria: ACMG Guidelines, 2015. Collection method: not provided. Allele origin: germline. Inheritance: Unknown mechanism. Affected: yes.